The following is an entry in ClinVar:

ClinVar aggregate classification (germline): Uncertain significance (1 of 4 stars; one submission).

Conditions:
Infantile-onset X-linked spinal muscular atrophy. Also called: Spinal Muscular Atrophy, X-Linked Infantile; AMC, DISTAL, X-LINKED; ARTHROGRYPOSIS, X-LINKED, TYPE I; Spinal muscular atrophy, X-linked 2; SPINAL MUSCULAR ATROPHY, X-LINKED LETHAL INFANTILE. Identifiers: Orphanet 1145, MedGen C1844934, MONDO:0010532, OMIM 301830.

Submission:

Labcorp Genetics (formerly Invitae), Labcorp
Classification: Uncertain significance for Infantile-onset X-linked spinal muscular atrophy. Last evaluated: 2025-09-08. Review status: criteria provided, single submitter. Criteria: Invitae Variant Classification Sherloc (09022015). Collection method: clinical testing. Allele origin: germline.
Comment: This sequence change replaces aspartic acid, which is acidic and polar, with glutamic acid, which is acidic and polar, at codon 461 of the UBA1 protein (p.Asp461Glu). This variant is not present in population databases (gnomAD no frequency). This variant has not been reported in the literature in individuals affected with UBA1-related conditions. ClinVar contains an entry for this variant (Variation ID: 3727219). An algorithm developed to predict the effect of missense changes on protein structure and function (PolyPhen-2) suggests that this variant is likely to be tolerated. In summary, the available evidence is currently insufficient to determine the role of this variant in disease. Therefore, it has been classified as a Variant of Uncertain Significance.

NM_003334.4(UBA1):c.1383C>A (p.Asp461Glu)

Gene: UBA1 (ubiquitin like modifier activating enzyme 1; plus strand). Cytogenetic location: Xp11.3.
Variant type: single nucleotide variant.
Coding change: c.1383C>A on transcript NM_003334.4 (MANE Select); coding-DNA position 1383, C replaced by A.
Protein change: p.Asp461Glu; replaces aspartic acid 461 with glutamic acid.
Molecular consequence: missense variant.
Genome position (GRCh38, 1-based): chrX:47,203,178, C>A. VCF-style: chrX-47203178-C-A. GRCh37 (hg19) VCF-style: chrX-47062577-C-A.
Other names: c.1383C>A, p.Asp461Glu (NM_153280.3); short protein forms D461E.
Identifiers: ClinVar variation 3727219 (VCV003727219.2).